The following is an entry in ClinVar:

ClinVar aggregate classification (germline): Uncertain significance (1 of 4 stars; one submission).

gnomAD v4.1: 2 of 1,614,154 alleles (0.00012%); highest among the groups gnomAD compares: Non-Finnish European, 0.00017%; no homozygotes.

Submission:

Labcorp Genetics (formerly Invitae), Labcorp
Classification: Uncertain significance. Last evaluated: 2022-02-18. Review status: criteria provided, single submitter. Criteria: Invitae Variant Classification Sherloc (09022015). Collection method: clinical testing. Allele origin: germline.
Comment: In summary, the available evidence is currently insufficient to determine the role of this variant in disease. Therefore, it has been classified as a Variant of Uncertain Significance. Algorithms developed to predict the effect of missense changes on protein structure and function are either unavailable or do not agree on the potential impact of this missense change (SIFT: "Deleterious"; PolyPhen-2: "Possibly Damaging"; Align-GVGD: "Class C0"). This variant has not been reported in the literature in individuals affected with SORL1-related conditions. This variant is present in population databases (no rsID available, gnomAD 0.0009%). This sequence change replaces isoleucine, which is neutral and non-polar, with phenylalanine, which is neutral and non-polar, at codon 494 of the SORL1 protein (p.Ile494Phe).

NM_003105.6(SORL1):c.1480A>T (p.Ile494Phe)

Gene: SORL1 (sortilin related receptor 1; plus strand). Cytogenetic location: 11q24.1.
Variant type: single nucleotide variant.
Coding change: c.1480A>T on transcript NM_003105.6 (MANE Select); coding-DNA position 1480, A replaced by T.
Protein change: p.Ile494Phe; replaces isoleucine 494 with phenylalanine.
Molecular consequence: missense variant.
Genome position (GRCh38, 1-based): chr11:121,522,661, A>T. VCF-style: chr11-121522661-A-T. GRCh37 (hg19) VCF-style: chr11-121393370-A-T.
Other names: short protein forms I494F.
Identifiers: ClinVar variation 1950799 (VCV001950799.5), dbSNP rs771038731, ClinGen allele CA383024643.
Genomic context (GRCh38, chr11:121,522,661, plus strand): 5'-TCCCTTCATCTGGCTCAGCGCCTCAGTCAGCTCCTCAACCTCCAGCTCCGGAGAATGCCC[A>T]TCCTGTCCAAGGAGTCGGCTCCAGGCCTCATCATCGCCACTGGTAAGTGTGCTTGCCTGT-3'
Protein context (NP_003096.2, residues 484-504): LLNLQLRRMP[Ile494Phe]LSKESAPGLI